The following is an entry in ClinVar:

ClinVar aggregate classification (germline): Uncertain significance (1 of 4 stars; one submission).

Conditions:
Hereditary cancer-predisposing syndrome. Also called: Neoplastic Syndromes, Hereditary; Hereditary Cancer Syndrome; Tumor predisposition; Hereditary neoplastic syndrome. Identifiers: Orphanet 140162, MedGen C0027672, MeSH D009386, MONDO:0015356.

Submission:

Labcorp Genetics (formerly Invitae), Labcorp
Classification: Uncertain significance for Hereditary cancer-predisposing syndrome. Last evaluated: 2023-03-31. Review status: criteria provided, single submitter. Criteria: Invitae Variant Classification Sherloc (09022015). Collection method: clinical testing. Allele origin: germline.
Comment: In summary, the available evidence is currently insufficient to determine the role of this variant in disease. Therefore, it has been classified as a Variant of Uncertain Significance. Advanced modeling of protein sequence and biophysical properties (such as structural, functional, and spatial information, amino acid conservation, physicochemical variation, residue mobility, and thermodynamic stability) performed at Invitae indicates that this missense variant is not expected to disrupt RAD50 protein function. This variant has not been reported in the literature in individuals affected with RAD50-related conditions. This variant is not present in population databases (gnomAD no frequency). This sequence change replaces asparagine, which is neutral and polar, with lysine, which is basic and polar, at codon 412 of the RAD50 protein (p.Asn412Lys).

NM_005732.4(RAD50):c.1236C>G (p.Asn412Lys)

Gene: RAD50 (RAD50 double strand break repair protein; plus strand). Cytogenetic location: 5q31.1.
Variant type: single nucleotide variant.
Coding change: c.1236C>G on transcript NM_005732.4 (MANE Select); coding-DNA position 1236, C replaced by G.
Protein change: p.Asn412Lys; replaces asparagine 412 with lysine.
Molecular consequence: missense variant.
Genome position (GRCh38, 1-based): chr5:132,588,871, C>G. VCF-style: chr5-132588871-C-G. GRCh37 (hg19) VCF-style: chr5-131924563-C-G.
Other names: short protein forms N412K.
Identifiers: ClinVar variation 2851126 (VCV002851126.3), dbSNP rs2479635008, ClinGen allele CA360943046.